The following is an entry in ClinVar:

ClinVar aggregate classification (germline): Benign (1 of 4 stars; one submission).

Allele frequency attached by ClinVar (database versions not stated): 1000 Genomes Project 0.03654; 1000 Genomes Project 30x 0.03685; TOPMed 0.05426; gnomAD 0.05535 and 0.05598.
gnomAD v4.1: 8,381 of 151,898 alleles (5.5%); highest among the groups gnomAD compares: Non-Finnish European, 6.9%; 279 homozygotes.

Submission:

GeneDx
Classification: Benign. Last evaluated: 2018-06-14. Review status: criteria provided, single submitter. Criteria: GeneDx Variant Classification (06012015). Collection method: clinical testing. Allele origin: germline. Affected: yes.
Comment: This variant is considered likely benign or benign based on one or more of the following criteria: it is a conservative change, it occurs at a poorly conserved position in the protein, it is predicted to be benign by multiple in silico algorithms, and/or has population frequency not consistent with disease.

NM_020117.11(LARS1):c.3326-210C>G

Gene: LARS1 (leucyl-tRNA synthetase 1; minus strand). Cytogenetic location: 5q32.
Variant type: single nucleotide variant.
Coding change: c.3326-210C>G on transcript NM_020117.11 (MANE Select); 210 bases into the intron before coding-DNA position 3326, C replaced by G.
Molecular consequence: intron variant.
Genome position (GRCh38, 1-based): chr5:146,114,521, G>C on the plus strand (C>G on the coding strand, the complement: LARS1 is on the minus strand). VCF-style: chr5-146114521-G-C. GRCh37 (hg19) VCF-style: chr5-145494084-G-C.
Other names: c.3164-210C>G (NM_001317965.2); c.3245-210C>G (NM_016460.4); c.3188-210C>G (NM_001317964.2).
Identifiers: ClinVar variation 684235 (VCV000684235.1), dbSNP rs116780433, ClinGen allele CA12012251.